The following is an entry in ClinVar:

ClinVar aggregate classification (germline): Likely pathogenic (1 of 4 stars; one submission).

Conditions:
Knobloch syndrome 2 (KNO2). Identifiers: MedGen C5676897, MONDO:0100119, OMIM 618458.

Submission:

Advanced Precision Medicine Laboratory, The Jackson Laboratory for Genomic Medicine
Classification: Likely pathogenic for Knobloch syndrome 2. Last evaluated: 2024-02-14. Review status: criteria provided, single submitter. Criteria: ACMG Guidelines, 2015. Collection method: research. Allele origin: de novo. Inheritance: Autosomal dominant inheritance. Affected: yes. Observed: 1 heterozygote. Study: PediSeq.
Comment: The c.1273G>A in PAK2 has not been previously reported to our knowledge. The c.1273G>A variant arose de novo; parentage was confirmed (PS2_Strong). The c.1273G>A variant was not observed in the gnomAD database, consistent with the expected frequency of a pathogenic variant in Knobloch syndrome 2 (PM2_Moderate). Multiple lines of computational evidence support a deleterious effect of the c.1273G>A variant on the PAK2 gene or gene product (PP3_Supporting). In summary, evidence suggests that the c.1273G>A in PAK2 is likely pathogenic for Knobloch syndrome 2.

NM_002577.4(PAK2):c.1273G>A (p.Asp425Asn)

Gene: PAK2 (p21 (RAC1) activated kinase 2; plus strand). Cytogenetic location: 3q29.
Variant type: single nucleotide variant.
Coding change: c.1273G>A on transcript NM_002577.4 (MANE Select); coding-DNA position 1273, G replaced by A.
Protein change: p.Asp425Asn; replaces aspartic acid 425 with asparagine.
Molecular consequence: missense variant.
Genome position (GRCh38, 1-based): chr3:196,820,490, G>A. VCF-style: chr3-196820490-G-A. GRCh37 (hg19) VCF-style: chr3-196547361-G-A.
Other names: short protein forms D425N.
Identifiers: ClinVar variation 2921281 (VCV002921281.2), dbSNP rs2474001104, ClinGen allele CA355643282.